The following is an entry in ClinVar:

NM_058216.3(RAD51C):c.696A>G (p.Glu232=)

Genes: RAD51C (RAD51 paralog C; plus strand), LOC129390903 (MPRA-validated peak2919 silencer; plus strand). Cytogenetic location: 17q22.
Variant type: single nucleotide variant.
Coding change: c.696A>G on transcript NM_058216.3 (MANE Select); coding-DNA position 696, A replaced by G.
Protein change: p.Glu232=; no amino-acid change (glutamic acid 232 retained).
Molecular consequence: synonymous variant. On other transcripts: non-coding transcript variant (1).
Genome position (GRCh38, 1-based): chr17:58,703,320, A>G. VCF-style: chr17-58703320-A-G. GRCh37 (hg19) VCF-style: chr17-56780681-A-G.
Identifiers: ClinVar variation 183944 (VCV000183944.21), dbSNP rs786201177, ClinGen allele CA187061.

ClinVar aggregate classification (germline): Benign/Likely benign. Review status: criteria provided, multiple submitters, no conflicts (2 of 4 stars). 6 submissions from 6 submitters: Benign (1); Likely benign (4). 1 of the submissions does not count toward it. Last evaluated 2025-09-22.

Conditions:
Hereditary cancer-predisposing syndrome. Also called: Tumor predisposition; Neoplastic Syndromes, Hereditary; Hereditary neoplastic syndrome; Hereditary Cancer Syndrome. Identifiers: Orphanet 140162, MedGen C0027672, MeSH D009386, MONDO:0015356.
Fanconi anemia complementation group O. Also called: RAD51C-Related Fanconi Anemia. Identifiers: Orphanet 84, MedGen C3150653, MONDO:0013248, OMIM 613390.
Endometrial carcinoma. Also called: Endometrial carcinoma, somatic. Identifiers: MedGen C0476089, MONDO:0002447, OMIM 608089, HP:0012114.
Breast-ovarian cancer, familial, susceptibility to, 3. Also called: RAD51C-Related Breast/Ovarian Cancer. Identifiers: Orphanet 145, MedGen C3150659, MONDO:0013253, OMIM 613399.

gnomAD v4.1: 4 of 1,612,134 alleles (0.00025%); highest among the groups gnomAD compares: Non-Finnish European, 0.00034%; no homozygotes.

Submissions (6):

Labcorp Genetics (formerly Invitae), Labcorp
Classification: Likely benign for Fanconi anemia complementation group O. Last evaluated: 2025-09-22. Review status: criteria provided, single submitter. Criteria: Invitae Variant Classification Sherloc (09022015). Collection method: clinical testing. Allele origin: germline.

Myriad Genetics, Inc.
Classification: Benign for Breast-ovarian cancer, familial, susceptibility to, 3. Last evaluated: 2025-02-18. Review status: criteria provided, single submitter. Criteria: Myriad Autosomal Dominant, Autosomal Recessive and X-Linked Classification Criteria (2023). Collection method: clinical testing. Allele origin: unknown.
Comment: This variant is considered benign. This variant is a silent/synonymous amino acid change and it is not expected to impact splicing.

Blueprint Genetics
Classification: Likely benign. Last evaluated: 2024-06-17. Review status: criteria provided, single submitter. Criteria: ACMG Guidelines, 2015. Collection method: clinical testing. Allele origin: germline.

Color Diagnostics, LLC DBA Color Health
Classification: Likely benign for Hereditary cancer-predisposing syndrome. Last evaluated: 2019-04-22. Review status: criteria provided, single submitter. Criteria: ACMG Guidelines, 2015. Collection method: clinical testing. Allele origin: germline.

Ambry Genetics
Classification: Likely benign for Hereditary cancer-predisposing syndrome. Last evaluated: 2016-01-25. Review status: criteria provided, single submitter. Criteria: Ambry Variant Classification Scheme 2023. Collection method: clinical testing. Allele origin: germline.

Department of Pathology and Laboratory Medicine, Sinai Health System
Classification: Uncertain significance for Endometrial carcinoma. Review status: no assertion criteria provided. Collection method: clinical testing. Allele origin: unknown. Affected: yes. Study: The Canadian Open Genetics Repository (COGR). Not counted in ClinVar's aggregate classification.
Comment: The RAD51C p.Glu232= variant was not identified in the literature nor was it identified in the Cosmic or LOVD 3.0 databases. The variant was identified in dbSNP (ID: rs786201177) as "With Likely benign, Uncertain significance allele" and ClinVar (classified as likely benign by Ambry Genetics). The variant was not identified in the following control databases: the Exome Aggregation Consortium (August 8th 2016) or the Genome Aggregation Database (Feb 27, 2017). The p.Glu232= variant is not expected to have clinical significance because it does not result in a change of amino acid and is not located in a known consensus splice site. However, 1 out of 4 in silico or computational prediction software programs (SpliceSiteFinder, MaxEntScan, NNSPLICE, GeneSplicer) predicts a greater than 10% difference in splicing. In summary, based on the above information, the clinical significance of this variant cannot be determined with certainty at this time. This variant is classified as a variant of uncertain significance.